The following is an entry in ClinVar:

ClinVar aggregate classification (germline): Uncertain significance (1 of 4 stars; one submission).

Conditions:
Hereditary cancer-predisposing syndrome. Also called: Neoplastic Syndromes, Hereditary; Tumor predisposition; Hereditary Cancer Syndrome; Hereditary neoplastic syndrome. Identifiers: Orphanet 140162, MedGen C0027672, MeSH D009386, MONDO:0015356.

Submission:

Ambry Genetics
Classification: Uncertain significance for Hereditary cancer-predisposing syndrome. Last evaluated: 2025-12-21. Review status: criteria provided, single submitter. Criteria: Ambry Variant Classification Scheme 2023. Collection method: clinical testing. Allele origin: germline.
Comment: The p.S293N variant (also known as c.878G>A), located in coding exon 3 of the PHOX2B gene, results from a G to A substitution at nucleotide position 878. The serine at codon 293 is replaced by asparagine, an amino acid with highly similar properties. This amino acid position is conserved. In addition, this alteration is predicted to be tolerated by in silico analysis. Based on the available evidence, the clinical significance of this variant remains unclear.

NM_003924.4(PHOX2B):c.878G>A (p.Ser293Asn)

Gene: PHOX2B (paired like homeobox 2B; minus strand). Cytogenetic location: 4p13.
Variant type: single nucleotide variant.
Coding change: c.878G>A on transcript NM_003924.4 (MANE Select); coding-DNA position 878, G replaced by A.
Protein change: p.Ser293Asn; replaces serine 293 with asparagine.
Molecular consequence: missense variant.
Genome position (GRCh38, 1-based): chr4:41,745,874, C>T on the plus strand (G>A on the coding strand, the complement: PHOX2B is on the minus strand). VCF-style: chr4-41745874-C-T. GRCh37 (hg19) VCF-style: chr4-41747891-C-T.
Other names: short protein forms S293N.
Identifiers: ClinVar variation 4842514 (VCV004842514.1).